The following is an entry in ClinVar:

NM_021620.4(PRDM13):c.1569C>G (p.Ala523=)

Gene: PRDM13 (PR/SET domain 13; plus strand). Cytogenetic location: 6q16.2.
Variant type: single nucleotide variant.
Coding change: c.1569C>G on transcript NM_021620.4 (MANE Select); coding-DNA position 1569, C replaced by G.
Protein change: p.Ala523=; no amino-acid change (alanine 523 retained).
Molecular consequence: synonymous variant.
Genome position (GRCh38, 1-based): chr6:99,614,204, C>G. VCF-style: chr6-99614204-C-G. GRCh37 (hg19) VCF-style: chr6-100062080-C-G.
Other names: c.1569C>G (NM_021620.3).
Identifiers: ClinVar variation 2991618 (VCV002991618.4), dbSNP rs1770090318, ClinGen allele CA451575309.

ClinVar aggregate classification (germline): Likely benign. Review status: criteria provided, multiple submitters, no conflicts (2 of 4 stars). 2 submissions from 2 submitters: Likely benign (2). Last evaluated 2026-03-23.

Conditions:
PRDM13-related disorder. Also called: PRDM13-related condition.

Submissions (2):

PreventionGenetics, part of Exact Sciences
Classification: Likely benign for PRDM13-related condition. Last evaluated: 2026-03-23. Review status: criteria provided, single submitter. Criteria: ACMG Guidelines, 2015. Collection method: clinical testing. Allele origin: germline.
Comment: This variant is classified as likely benign based on ACMG/AMP sequence variant interpretation guidelines (Richards et al. 2015 PMID: 25741868, with internal and published modifications).

Labcorp Genetics (formerly Invitae), Labcorp
Classification: Likely benign. Last evaluated: 2023-06-27. Review status: criteria provided, single submitter. Criteria: Invitae Variant Classification Sherloc (09022015). Collection method: clinical testing. Allele origin: germline.